The following is an entry in ClinVar:

ClinVar aggregate classification (germline): Uncertain significance (1 of 4 stars; one submission).

Conditions:
TH-deficient dopa-responsive dystonia. Also called: DYT-TH; Tyrosine Hydroxylase-Deficient Dopa-Responsive Dystonia; Segawa syndrome, autosomal recessive. Identifiers: Orphanet 101150, MedGen C2673535, MONDO:0011551, OMIM 605407.

Allele frequency attached by ClinVar (database versions not stated): gnomAD exomes 0.00002 and below 0.00001; TOPMed below 0.00001; ExAC 0.00004.
gnomAD v4.1: 5 of 1,561,234 alleles (0.00032%); highest among the groups gnomAD compares: African/African-American, 0.0014%; no homozygotes.

Submission:

Labcorp Genetics (formerly Invitae), Labcorp
Classification: Uncertain significance for TH-deficient dopa-responsive dystonia. Last evaluated: 2022-10-14. Review status: criteria provided, single submitter. Criteria: Invitae Variant Classification Sherloc (09022015). Collection method: clinical testing. Allele origin: germline.
Comment: This sequence change replaces glutamic acid, which is acidic and polar, with lysine, which is basic and polar, at codon 393 of the TH protein (p.Glu393Lys). The frequency data for this variant in the population databases is considered unreliable, as metrics indicate poor data quality at this position in the gnomAD database. This missense change has been observed in individual(s) with TH-related conditions (Invitae). ClinVar contains an entry for this variant (Variation ID: 569530). Advanced modeling of protein sequence and biophysical properties (such as structural, functional, and spatial information, amino acid conservation, physicochemical variation, residue mobility, and thermodynamic stability) has been performed at Invitae for this missense variant, however the output from this modeling did not meet the statistical confidence thresholds required to predict the impact of this variant on TH protein function. In summary, the available evidence is currently insufficient to determine the role of this variant in disease. Therefore, it has been classified as a Variant of Uncertain Significance.

NM_000360.4(TH):c.1084G>A (p.Glu362Lys)

Gene: TH (tyrosine hydroxylase; minus strand). Cytogenetic location: 11p15.5.
Variant type: single nucleotide variant.
Coding change: c.1084G>A on transcript NM_000360.4 (MANE Select); coding-DNA position 1084, G replaced by A.
Protein change: p.Glu362Lys; replaces glutamic acid 362 with lysine.
Molecular consequence: missense variant.
Genome position (GRCh38, 1-based): chr11:2,166,022, C>T on the plus strand (G>A on the coding strand, the complement: TH is on the minus strand). VCF-style: chr11-2166022-C-T. GRCh37 (hg19) VCF-style: chr11-2187252-C-T.
Other names: c.1177G>A, p.Glu393Lys (NM_199292.3); c.1165G>A, p.Glu389Lys (NM_199293.3); short protein forms E393K, E389K, E362K.
Identifiers: ClinVar variation 569530 (VCV000569530.4), dbSNP rs776917257, ClinGen allele CA5818390.